The following is an entry in ClinVar:

NM_147127.5(EVC2):c.2364del (p.Glu789fs)

Gene: EVC2 (EvC ciliary complex subunit 2; minus strand). Cytogenetic location: 4p16.2.
Variant type: Deletion.
Coding change: c.2364del on transcript NM_147127.5 (MANE Select); coding-DNA position 2364, one base deleted (C; older notation c.2364delC).
Protein change: p.Glu789fs; shifts the reading frame from glutamic acid 789.
Molecular consequence: frameshift variant.
Genome position (GRCh38, 1-based): chr4:5,622,674, G deleted on the plus strand (C on the coding strand, the reverse complement: EVC2 is on the minus strand); the first of 2 consecutive G bases (chr4:5,622,674-5,622,675); deleting either gives the same sequence. VCF-style (leftmost placement, unchanged base first): chr4-5622673-CG-C. GRCh37 (hg19) VCF-style: chr4-5624400-CG-C.
Other names: c.2124del, p.Glu709fs (NM_001166136.2); short protein forms E709fs, E789fs.
Identifiers: ClinVar variation 3382377 (VCV003382377.2).

ClinVar aggregate classification (germline): Likely pathogenic (1 of 4 stars; one submission).

Conditions:
Ellis-van Creveld syndrome (EVC). Also called: MESOECTODERMAL DYSPLASIA; Chondroectodermal dysplasia; EVC-Related Ellis-van Creveld Syndrome; EVC2-Related Ellis-van Creveld Syndrome. Identifiers: Orphanet 289, MedGen C0013903, MONDO:0009162, OMIM 225500.
Curry-Hall syndrome (WAD). Also called: WEYERS ACRODENTAL DYSOSTOSIS. Identifiers: Orphanet 952, MedGen C0457013, MONDO:0008673, OMIM 193530.

Submission:

Juno Genomics, Hangzhou Juno Genomics, Inc
Classification: Likely pathogenic for Ellis-van Creveld syndrome; Curry-Hall syndrome. Review status: criteria provided, single submitter. Criteria: ACMG Guidelines, 2015. Collection method: clinical testing. Allele origin: germline. Affected: yes.
Comment: Absent from controls (or at extremely low frequency if recessive) in Genome Aggregation Database, Exome Sequencing Project, 1000 Genomes Project, or Exome Aggregation Consortium.;Null variant in a gene where loss of function (LOF) is a known mechanism of disease.